The following is an entry in ClinVar:

NM_015506.3(MMACHC):c.157C>T (p.Leu53Phe)

Gene: MMACHC (metabolism of cobalamin associated C; plus strand). Cytogenetic location: 1p34.1.
Variant type: single nucleotide variant.
Coding change: c.157C>T on transcript NM_015506.3 (MANE Select); coding-DNA position 157, C replaced by T.
Protein change: p.Leu53Phe; replaces leucine 53 with phenylalanine.
Molecular consequence: missense variant. On other transcripts: 5 prime UTR variant (1).
Genome position (GRCh38, 1-based): chr1:45,507,431, C>T. VCF-style: chr1-45507431-C-T. GRCh37 (hg19) VCF-style: chr1-45973103-C-T.
Other names: c.-15C>T (NM_001330540.2); short protein forms L53F.
Identifiers: ClinVar variation 2634204 (VCV002634204.2), dbSNP rs201507059, ClinGen allele CA827653.
Genomic context (GRCh38, chr1:45,507,431, plus strand): 5'-GAACTCTTGCCTCCAGCCTTCCACCTACCGCTGCCAGGACCTACCCTGGCCTTCCTGGTA[C>T]TCAGCACGCCTGCCATGTTTGACCGGGCCCTCAAGCCCTTCTTGCAGAGCTGCCACCTCC-3'
Protein context (NP_056321.2, residues 43-63): LPGPTLAFLV[Leu53Phe]STPAMFDRAL

ClinVar aggregate classification (germline): Uncertain significance. Review status: criteria provided, multiple submitters, no conflicts (2 of 4 stars). 2 submissions from 2 submitters: Uncertain significance (2). Last evaluated 2023-04-13.

Conditions:
MMACHC-related disorder. Also called: MMACHC-related condition.

Allele frequency attached by ClinVar (database versions not stated): ExAC 0.00015; 1000 Genomes Project 30x 0.00016; 1000 Genomes Project 0.00020.
gnomAD v4.1: 87 of 1,614,168 alleles (0.0054%); highest among the groups gnomAD compares: South Asian, 0.094%; 1 homozygote.

Submissions (2):

Blueprint Genetics
Classification: Uncertain significance. Last evaluated: 2023-04-13. Review status: criteria provided, single submitter. Criteria: ACMG Guidelines, 2015. Collection method: clinical testing. Allele origin: germline.

PreventionGenetics, part of Exact Sciences
Classification: Uncertain significance for MMACHC-related condition. Last evaluated: 2022-12-07. Review status: criteria provided, single submitter. Criteria: ACMG Guidelines, 2015. Collection method: clinical testing. Allele origin: germline.
Comment: The MMACHC c.157C>T variant is predicted to result in the amino acid substitution p.Leu53Phe. This variant is reported in 0.11% of alleles in individuals of South Asian descent in gnomAD. A different variant affecting the same amino acid was reported to be associated with cobalamin C disease (Gizicki. 2014. PubMed ID: 24126030). Although we suspect that this variant may be pathogenic, at this time, the clinical significance of this variant is uncertain due to the absence of conclusive functional and genetic evidence.